The following is an entry in ClinVar:

ClinVar aggregate classification (germline): Uncertain significance (1 of 4 stars; one submission).

Allele frequency attached by ClinVar (database versions not stated): TOPMed below 0.00001; gnomAD exomes 0.00001.

Submission:

Labcorp Genetics (formerly Invitae), Labcorp
Classification: Uncertain significance. Last evaluated: 2024-05-22. Review status: criteria provided, single submitter. Criteria: Invitae Variant Classification Sherloc (09022015). Collection method: clinical testing. Allele origin: germline.
Comment: This sequence change replaces asparagine, which is neutral and polar, with serine, which is neutral and polar, at codon 248 of the ATP1A1 protein (p.Asn248Ser). This variant is not present in population databases (gnomAD no frequency). This variant has not been reported in the literature in individuals affected with ATP1A1-related conditions. ClinVar contains an entry for this variant (Variation ID: 1017810). Advanced modeling of protein sequence and biophysical properties (such as structural, functional, and spatial information, amino acid conservation, physicochemical variation, residue mobility, and thermodynamic stability) performed at Invitae indicates that this missense variant is not expected to disrupt ATP1A1 protein function with a negative predictive value of 80%. In summary, the available evidence is currently insufficient to determine the role of this variant in disease. Therefore, it has been classified as a Variant of Uncertain Significance.

NM_000701.8(ATP1A1):c.743A>G (p.Asn248Ser)

Gene: ATP1A1 (ATPase Na+/K+ transporting subunit alpha 1; plus strand). Cytogenetic location: 1p13.1.
Variant type: single nucleotide variant.
Coding change: c.743A>G on transcript NM_000701.8 (MANE Select); coding-DNA position 743, A replaced by G.
Protein change: p.Asn248Ser; replaces asparagine 248 with serine.
Molecular consequence: missense variant.
Genome position (GRCh38, 1-based): chr1:116,389,008, A>G. VCF-style: chr1-116389008-A-G. GRCh37 (hg19) VCF-style: chr1-116931630-A-G.
Other names: c.743A>G, p.Asn248Ser (NM_001160233.2); c.650A>G, p.Asn217Ser (NM_001160234.2); short protein forms N217S, N248S.
Identifiers: ClinVar variation 1017810 (VCV001017810.8), dbSNP rs1652274501, ClinGen allele CA341843162.